The following is an entry in ClinVar:

NM_002880.4(RAF1):c.985A>G (p.Lys329Glu)

Gene: RAF1 (Raf-1 proto-oncogene, serine/threonine kinase; minus strand). Cytogenetic location: 3p25.2.
Variant type: single nucleotide variant.
Coding change: c.985A>G on transcript NM_002880.4 (MANE Select); coding-DNA position 985, A replaced by G.
Protein change: p.Lys329Glu; replaces lysine 329 with glutamic acid.
Molecular consequence: missense variant. On other transcripts: non-coding transcript variant (3).
Genome position (GRCh38, 1-based): chr3:12,600,157, T>C on the plus strand (A>G on the coding strand, the complement: RAF1 is on the minus strand). VCF-style: chr3-12600157-T-C. GRCh37 (hg19) VCF-style: chr3-12641656-T-C.
Other names: c.1045A>G, p.Lys349Glu (NM_001354689.3); c.985A>G, p.Lys329Glu (NM_001354690.3); c.742A>G, p.Lys248Glu (NM_001354691.3, NM_001354692.3); c.886A>G, p.Lys296Glu (NM_001354693.3); c.802A>G, p.Lys268Glu (NM_001354694.3); c.643A>G, p.Lys215Glu (NM_001354695.3); short protein forms K248E, K296E, K215E, K268E, K329E, K349E.
Identifiers: ClinVar variation 4763606 (VCV004763606.1).

ClinVar aggregate classification (germline): Uncertain significance (1 of 4 stars; one submission).

Conditions:
RASopathy. Also called: rasopathies; Noonan spectrum disorder. Identifiers: Orphanet 536391, MedGen C5555857, MONDO:0021060.

Submission:

Labcorp Genetics (formerly Invitae), Labcorp
Classification: Uncertain significance for RASopathy. Last evaluated: 2025-11-12. Review status: criteria provided, single submitter. Criteria: Invitae Variant Classification Sherloc (09022015). Collection method: clinical testing. Allele origin: germline.
Comment: This sequence change replaces lysine, which is basic and polar, with glutamic acid, which is acidic and polar, at codon 329 of the RAF1 protein (p.Lys329Glu). This variant is not present in population databases (gnomAD no frequency). This variant has not been reported in the literature in individuals affected with RAF1-related conditions. Invitae Evidence Modeling incorporating data from in vitro experimental studies (internal data) did not meet the statistical confidence thresholds required to predict the impact of this variant on RAF1 function. In summary, the available evidence is currently insufficient to determine the role of this variant in disease. Therefore, it has been classified as a Variant of Uncertain Significance.